The following is an entry in ClinVar:

NC_000007.13:g.(?_75601711)_(75615799_?)del

Gene: POR (cytochrome p450 oxidoreductase; plus strand). Cytogenetic location: 7q11.23.
Variant type: Deletion.
Identifiers: ClinVar variation 3245780 (VCV003245780.1).

ClinVar aggregate classification (germline): Pathogenic (1 of 4 stars; one submission).

Conditions:
Congenital adrenal hyperplasia due to cytochrome P450 oxidoreductase deficiency. Also called: DISORDERED STEROIDOGENESIS DUE TO POR DEFICIENCY. Identifiers: Orphanet 95699, MedGen C1860042, MONDO:0013310, OMIM 613571.

Submission:

Labcorp Genetics (formerly Invitae), Labcorp
Classification: Pathogenic for Congenital adrenal hyperplasia due to cytochrome P450 oxidoreductase deficiency. Last evaluated: 2023-09-08. Review status: criteria provided, single submitter. Criteria: Invitae Variant Classification Sherloc (09022015). Collection method: clinical testing. Allele origin: unknown.
Comment: This variant is a gross deletion of the genomic region encompassing exon(s) 3-16 of the POR gene, which includes the termination codon. This deletion extends beyond the assayed region for this gene and therefore may encompass additional genes. While this deletion is not anticipated to lead to nonsense mediated decay, it is expected to alter mRNA translation or result in a truncated protein product. This variant has not been reported in the literature in individuals affected with POR-related conditions. This variant disrupts a region of the POR protein in which other variant(s) (p.Ala287Pro) have been determined to be pathogenic (PMID: 14758361, 18551037, 20940534, 21741353, 22162478). This suggests that this is a clinically significant region of the protein, and that variants that disrupt it are likely to be disease-causing. For these reasons, this variant has been classified as Pathogenic.

Literature cited by the submitters: PubMed 14758361; PubMed 18551037; PubMed 20940534; PubMed 21741353; PubMed 22162478.